The following is an entry in ClinVar:

NM_001029883.3(PCARE):c.3137G>A (p.Arg1046Gln)

Gene: PCARE (photoreceptor cilium actin regulator; minus strand). Cytogenetic location: 2p23.2.
Variant type: single nucleotide variant.
Coding change: c.3137G>A on transcript NM_001029883.3 (MANE Select); coding-DNA position 3137, G replaced by A.
Protein change: p.Arg1046Gln; replaces arginine 1046 with glutamine.
Molecular consequence: missense variant.
Genome position (GRCh38, 1-based): chr2:29,071,125, C>T on the plus strand (G>A on the coding strand, the complement: PCARE is on the minus strand). VCF-style: chr2-29071125-C-T. GRCh37 (hg19) VCF-style: chr2-29293991-C-T.
Other names: short protein forms R1046Q.
Identifiers: ClinVar variation 837212 (VCV000837212.5), dbSNP rs752697018, ClinGen allele CA44639943.

ClinVar aggregate classification (germline): Uncertain significance. Review status: criteria provided, multiple submitters, no conflicts (2 of 4 stars). 2 submissions from 2 submitters: Uncertain significance (2). Last evaluated 2023-11-27.

Allele frequency attached by ClinVar (database versions not stated): gnomAD 0.00001; TOPMed 0.00001.
gnomAD v4.1: 26 of 1,579,838 alleles (0.0016%); highest among the groups gnomAD compares: South Asian, 0.0059%; 1 homozygote.

Submissions (2):

Labcorp Genetics (formerly Invitae), Labcorp
Classification: Uncertain significance. Last evaluated: 2023-11-27. Review status: criteria provided, single submitter. Criteria: Invitae Variant Classification Sherloc (09022015). Collection method: clinical testing. Allele origin: germline.
Comment: This sequence change replaces arginine, which is basic and polar, with glutamine, which is neutral and polar, at codon 1046 of the PCARE protein (p.Arg1046Gln). This variant is present in population databases (no rsID available, gnomAD 0.004%). This variant has not been reported in the literature in individuals affected with PCARE-related conditions. ClinVar contains an entry for this variant (Variation ID: 837212). Algorithms developed to predict the effect of missense changes on protein structure and function output the following: SIFT: "Not Available"; PolyPhen-2: "Benign"; Align-GVGD: "Not Available". The glutamine amino acid residue is found in multiple mammalian species, which suggests that this missense change does not adversely affect protein function. In summary, the available evidence is currently insufficient to determine the role of this variant in disease. Therefore, it has been classified as a Variant of Uncertain Significance.

Blueprint Genetics
Classification: Uncertain significance. Last evaluated: 2023-06-22. Review status: criteria provided, single submitter. Criteria: ACMG Guidelines, 2015. Collection method: clinical testing. Allele origin: germline.